The following is an entry in ClinVar:

ClinVar aggregate classification (germline): Uncertain significance (1 of 4 stars; one submission).

Conditions:
DPAGT1-congenital disorder of glycosylation. Also called: CONGENITAL DISORDER OF GLYCOSYLATION, TYPE Ij; DPAGT1-CDG; CDG Ij. Identifiers: Orphanet 86309, MedGen C2931004, MONDO:0011964, OMIM 608093.

Submission:

Kasturba Medical College, Manipal, Kasturba Medical College, Manipal, Manipal Academy of Higher Education, Manipal, India
Classification: Uncertain significance for DPAGT1-congenital disorder of glycosylation. Review status: criteria provided, single submitter. Criteria: ACMG Guidelines, 2015. Collection method: research. Allele origin: biparental. Inheritance: Autosomal recessive inheritance. Affected: yes. Observed: 1 homozygote.
Comment: This variant is absent in homozygous and/or heterozygous state in gnomAD v4.1.0 and our in-house data of 3412 exomes. In silico analysis tools (CADD_phred, REVEL) are consistent in predicting the variant as damaging to DPAGT1 protein function.

NM_001382.4(DPAGT1):c.197T>G (p.Phe66Cys)

Genes: DPAGT1 (dolichyl-phosphate N-acetylglucosaminephosphotransferase 1; minus strand), LOC126861360 (BRD4-independent group 4 enhancer GRCh37_chr11:118972216-118973415; plus strand). Cytogenetic location: 11q23.3.
Variant type: single nucleotide variant.
Coding change: c.197T>G on transcript NM_001382.4 (MANE Select); coding-DNA position 197, T replaced by G.
Protein change: p.Phe66Cys; replaces phenylalanine 66 with cysteine.
Molecular consequence: missense variant.
Genome position (GRCh38, 1-based): chr11:119,101,103, A>C on the plus strand (T>G on the coding strand, the complement: DPAGT1 is on the minus strand). VCF-style: chr11-119101103-A-C. GRCh37 (hg19) VCF-style: chr11-118971813-A-C.
Other names: short protein forms F66C.
Identifiers: ClinVar variation 3774332 (VCV003774332.1).